The following is an entry in ClinVar:

ClinVar aggregate classification (germline): Uncertain significance (1 of 4 stars; one submission).

Conditions:
Inborn genetic diseases. Identifiers: MedGen C0950123, MeSH D030342.

gnomAD v4.1: 4 of 1,222,966 alleles (0.00033%); highest among the groups gnomAD compares: Non-Finnish European, 0.00041%; no homozygotes.

Submission:

Ambry Genetics
Classification: Uncertain significance for Inborn genetic diseases. Last evaluated: 2026-07-23. Review status: criteria provided, single submitter. Criteria: Ambry Variant Classification Scheme 2023. Collection method: clinical testing. Allele origin: germline.
Comment: The c.4G>A (p.D2N) alteration is located in exon 1 (coding exon 1) of the MAST3 gene. This alteration results from a G to A substitution at nucleotide position 4, causing the aspartic acid (D) at amino acid position 2 to be replaced by an asparagine (N). Based on data from gnomAD, the A allele has an overall frequency of 0.003% (1/30752) total alleles studied. The highest observed frequency was 0.007% (1/15172) of European (non-Finnish) alleles. Based on insufficient or conflicting evidence, the clinical significance of this alteration remains unclear.

NM_001393504.1(MAST3):c.4G>A (p.Asp2Asn)

Genes: MAST3 (microtubule associated serine/threonine kinase 3; plus strand), IL12RB1 (interleukin 12 receptor subunit beta 1; minus strand), LOC130063975 (ATAC-STARR-seq lymphoblastoid silent region 10369; plus strand). Cytogenetic location: 19p13.11.
Variant type: single nucleotide variant.
Coding change: c.4G>A on transcript NM_001393504.1 (MANE Select); coding-DNA position 4, G replaced by A.
Protein change: p.Asp2Asn; replaces aspartic acid 2 with asparagine.
Molecular consequence: missense variant. On other transcripts: intron variant (3).
Genome position (GRCh38, 1-based): chr19:18,097,796, G>A. VCF-style: chr19-18097796-G-A. GRCh37 (hg19) VCF-style: chr19-18208606-G-A.
Other names: c.4G>A, p.Asp2Asn (NM_001393501.1, NM_001393502.1, NM_001393508.1 and 8 more transcripts); c.11+959C>T (NM_001290024.2, NM_001440427.1, NM_001440426.1); short protein forms D2N.
Identifiers: ClinVar variation 5023903 (VCV005023903.1).